The following is an entry in ClinVar:

ClinVar aggregate classification (germline): Uncertain significance (1 of 4 stars; one submission).

Conditions:
Developmental and epileptic encephalopathy. Identifiers: MedGen C5779964, MONDO:0100620.

Allele frequency attached by ClinVar (database versions not stated): TOPMed 0.00001.

Submission:

Labcorp Genetics (formerly Invitae), Labcorp
Classification: Uncertain significance for Early-infantile DEE. Last evaluated: 2022-10-14. Review status: criteria provided, single submitter. Criteria: Invitae Variant Classification Sherloc (09022015). Collection method: clinical testing. Allele origin: germline.
Comment: This sequence change replaces arginine, which is basic and polar, with leucine, which is neutral and non-polar, at codon 17 of the CACNA2D2 protein (p.Arg17Leu). The frequency data for this variant in the population databases is considered unreliable, as metrics indicate insufficient coverage at this position in the gnomAD database. This variant has not been reported in the literature in individuals affected with CACNA2D2-related conditions. ClinVar contains an entry for this variant (Variation ID: 966527). Algorithms developed to predict the effect of missense changes on protein structure and function are either unavailable or do not agree on the potential impact of this missense change (SIFT: "Deleterious"; PolyPhen-2: "Not Available"; Align-GVGD: "Class C0"). In summary, the available evidence is currently insufficient to determine the role of this variant in disease. Therefore, it has been classified as a Variant of Uncertain Significance.

NM_006030.4(CACNA2D2):c.50G>T (p.Arg17Leu)

Gene: CACNA2D2 (calcium voltage-gated channel auxiliary subunit alpha2delta 2; minus strand). Cytogenetic location: 3p21.31.
Variant type: single nucleotide variant.
Coding change: c.50G>T on transcript NM_006030.4 (MANE Select); coding-DNA position 50, G replaced by T.
Protein change: p.Arg17Leu; replaces arginine 17 with leucine.
Molecular consequence: missense variant. On other transcripts: intron variant (1).
Genome position (GRCh38, 1-based): chr3:50,503,374, C>A on the plus strand (G>T on the coding strand, the complement: CACNA2D2 is on the minus strand). VCF-style: chr3-50503374-C-A. GRCh37 (hg19) VCF-style: chr3-50540805-C-A.
Other names: c.50G>T, p.Arg17Leu (NM_001005505.3, NM_001174051.3); c.-2+695G>T (NM_001291101.1); short protein forms R17L.
Identifiers: ClinVar variation 966527 (VCV000966527.5), dbSNP rs1699066863, ClinGen allele CA353000476.